The following is an entry in ClinVar:

ClinVar aggregate classification (germline): Uncertain significance (1 of 4 stars; one submission).

Conditions:
Hereditary breast ovarian cancer syndrome. Also called: Hereditary breast and ovarian cancer syndrome (HBOC); Hereditary breast and ovarian cancer; Breast and ovarian cancer; Hereditary breast and/or ovarian cancer syndrome; BRCA1- and BRCA2-Associated Hereditary Breast and Ovarian Cancer; Hereditary breast and ovarian cancer syndrome. Identifiers: Orphanet 145, MedGen C0677776, MeSH D061325, MONDO:0003582. Disease mechanism: loss of function.

Submission:

Labcorp Genetics (formerly Invitae), Labcorp
Classification: Uncertain significance for Hereditary breast ovarian cancer syndrome. Last evaluated: 2025-02-16. Review status: criteria provided, single submitter. Criteria: Invitae Variant Classification Sherloc (09022015). Collection method: clinical testing. Allele origin: germline.
Comment: This sequence change replaces histidine, which is basic and polar, with leucine, which is neutral and non-polar, at codon 3010 of the BRCA2 protein (p.His3010Leu). This variant is not present in population databases (gnomAD no frequency). This variant has not been reported in the literature in individuals affected with BRCA2-related conditions. Invitae Evidence Modeling of protein sequence and biophysical properties (such as structural, functional, and spatial information, amino acid conservation, physicochemical variation, residue mobility, and thermodynamic stability) indicates that this missense variant is not expected to disrupt BRCA2 protein function with a negative predictive value of 95%. In summary, the available evidence is currently insufficient to determine the role of this variant in disease. Therefore, it has been classified as a Variant of Uncertain Significance.

NM_000059.4(BRCA2):c.9029A>T (p.His3010Leu)

Gene: BRCA2 (BRCA2 DNA repair associated; plus strand). Cytogenetic location: 13q13.1.
Variant type: single nucleotide variant.
Coding change: c.9029A>T on transcript NM_000059.4 (MANE Select); coding-DNA position 9029, A replaced by T.
Protein change: p.His3010Leu; replaces histidine 3010 with leucine.
Molecular consequence: missense variant. On other transcripts: non-coding transcript variant (1).
Genome position (GRCh38, 1-based): chr13:32,379,825, A>T. VCF-style: chr13-32379825-A-T. GRCh37 (hg19) VCF-style: chr13-32953962-A-T.
Other names: c.8933A>T, p.His2978Leu (NM_001406719.1); c.8978A>T, p.His2993Leu (NM_001406720.1); c.4097A>T, p.His1366Leu (NM_001406721.1); c.2612A>T, p.His871Leu (NM_001406722.1); c.9029A>T, p.His3010Leu (NM_001432077.1); short protein forms H1366L, H2978L, H2993L, H3010L, H871L.
Identifiers: ClinVar variation 4802360 (VCV004802360.1).